The following is an entry in ClinVar:

ClinVar aggregate classification (germline): Uncertain significance (1 of 4 stars; one submission).

Conditions:
TNF receptor-associated periodic fever syndrome (TRAPS) (FPF). Also called: FAMILIAL HIBERNIAN FEVER; TNF RECEPTOR-ASSOCIATED PERIODIC SYNDROME; TUMOR NECROSIS FACTOR RECEPTOR-ASSOCIATED PERIODIC SYNDROME; Autosomal Dominant Familial Periodic Fever; TNF Receptor-Associated Periodic Fever Syndrome; TNF receptor 1-associated periodic fever syndrome. Identifiers: Orphanet 32960, MedGen C1275126, MONDO:0007727, OMIM 142680.

Submission:

Labcorp Genetics (formerly Invitae), Labcorp
Classification: Uncertain significance for TNF receptor-associated periodic fever syndrome (TRAPS). Last evaluated: 2024-08-12. Review status: criteria provided, single submitter. Criteria: Invitae Variant Classification Sherloc (09022015). Collection method: clinical testing. Allele origin: germline.
Comment: This sequence change replaces leucine, which is neutral and non-polar, with phenylalanine, which is neutral and non-polar, at codon 68 of the TNFRSF1A protein (p.Leu68Phe). This variant is not present in population databases (gnomAD no frequency). This missense change has been observed in individual(s) with TNFRSF1A-related conditions (PMID: 23965844). Advanced modeling of protein sequence and biophysical properties (such as structural, functional, and spatial information, amino acid conservation, physicochemical variation, residue mobility, and thermodynamic stability) has been performed at Invitae for this missense variant, however the output from this modeling did not meet the statistical confidence thresholds required to predict the impact of this variant on TNFRSF1A protein function. In summary, the available evidence is currently insufficient to determine the role of this variant in disease. Therefore, it has been classified as a Variant of Uncertain Significance.

Literature cited by the submitters: PubMed 23965844.

NM_001065.4(TNFRSF1A):c.204G>T (p.Leu68Phe)

Gene: TNFRSF1A (TNF receptor superfamily member 1A; minus strand). Cytogenetic location: 12p13.31.
Variant type: single nucleotide variant.
Coding change: c.204G>T on transcript NM_001065.4 (MANE Select); coding-DNA position 204, G replaced by T.
Protein change: p.Leu68Phe; replaces leucine 68 with phenylalanine.
Molecular consequence: missense variant. On other transcripts: 5 prime UTR variant (2), non-coding transcript variant (1).
Genome position (GRCh38, 1-based): chr12:6,333,855, C>A on the plus strand (G>T on the coding strand, the complement: TNFRSF1A is on the minus strand). VCF-style: chr12-6333855-C-A. GRCh37 (hg19) VCF-style: chr12-6443021-C-A.
Other names: c.-121G>T (NM_001346091.2); c.-374G>T (NM_001346092.2); short protein forms L68F.
Identifiers: ClinVar variation 3635060 (VCV003635060.2).
Genomic context (GRCh38, chr12:6,333,855, plus strand): 5'-GGAGCCGCTCTCACACTCCCTGCAGTCCGTATCCTGCCCCGGGCCTGGACAGTCATTGTA[C>A]AAGTAGGTTCCTGTGAATGGGGCCGCAGAGTTAGGCTGCGGGTGAGAACACAAGGAAGGA-3'
Protein context (NP_001056.1, residues 58-78): CCTKCHKGTY[Leu68Phe]YNDCPGPGQD